The following is an entry in ClinVar:

NM_032638.5(GATA2):c.1113C>A (p.Asn371Lys)

Gene: GATA2 (GATA binding protein 2; minus strand). Cytogenetic location: 3q21.3.
Variant type: single nucleotide variant.
Coding change: c.1113C>A on transcript NM_032638.5 (MANE Select); coding-DNA position 1113, C replaced by A.
Protein change: p.Asn371Lys; replaces asparagine 371 with lysine.
Molecular consequence: missense variant.
Genome position (GRCh38, 1-based): chr3:128,481,849, G>T on the plus strand (C>A on the coding strand, the complement: GATA2 is on the minus strand). VCF-style: chr3-128481849-G-T. GRCh37 (hg19) VCF-style: chr3-128200692-G-T.
Other names: c.1113C>A, p.Asn371Lys (NM_001145661.2); c.1071C>A, p.Asn357Lys (NM_001145662.1); short protein forms N371K, N357K.
Identifiers: ClinVar variation 216931 (VCV000216931.8), dbSNP rs376003468, ClinGen allele CA210024.
Genomic context (GRCh38, chr3:128,481,849, plus strand): 5'-GGCGGGGTGGCCGGGGCGGGGCGCACTCACATTGTGCAGCTTGTAGTAGAGGCCACAGGC[G>T]TTGCAGACAGGGTCCCCGTTGGCGTTTCGGCGCCATAAGGTGGTGGTTGTCGTCTGACAA-3'
Protein context (NP_116027.2, residues 361-381): RRNANGDPVC[Asn371Lys]ACGLYYKLHN

ClinVar aggregate classification (germline): Pathogenic/Likely pathogenic. Review status: criteria provided, multiple submitters, no conflicts (2 of 4 stars). 4 submissions from 4 submitters: Pathogenic (2); Likely pathogenic (2). Last evaluated 2024-09-10.

Conditions:
GATA2 deficiency with susceptibility to MDS/AML. Identifiers: MedGen CN300066, MONDO:0042982.
Deafness-lymphedema-leukemia syndrome. Also called: Lymphedema, primary, with myelodysplasia; Emberger syndrome. Identifiers: Orphanet 3226, MedGen C3279664, MONDO:0013540, OMIM 614038.
Monocytopenia with susceptibility to infections. Also called: Dendritic cell, monocyte, B lymphocyte, and natural killer lymphocyte deficiency; MONOCYTOPENIA AND MYCOBACTERIAL INFECTION SYNDROME; MONOCYTOPENIA WITH SUSCEPTIBILITY TO MYCOBACTERIAL, FUNGAL, AND PAPILLOMAVIRUS INFECTIONS AND MYELODYSPLASIA; COMBINED IMMUNODEFICIENCY WITH SUSCEPTIBILITY TO MYCOBACTERIAL, VIRAL, AND FUNGAL INFECTIONS; IMMUNODEFICIENCY 21; GATA2 DEFICIENCY. Identifiers: Orphanet 228423, MedGen C3280030, MONDO:0013607, OMIM 614172.

Submissions (4):

GeneDx
Classification: Likely pathogenic. Last evaluated: 2024-09-10. Review status: criteria provided, single submitter. Criteria: GeneDx Variant Classification Process June 2021. Collection method: clinical testing. Allele origin: germline. Affected: yes.
Comment: Not observed at significant frequency in large population cohorts (gnomAD); In silico analysis supports that this missense variant has a deleterious effect on protein structure/function; This variant is associated with the following publications: (PMID: 26702063, 34387894, 25326637, 32088370, 23223431, 24077845, 21670465, 28179282, 1714909)

Labcorp Genetics (formerly Invitae), Labcorp
Classification: Pathogenic for Monocytopenia with susceptibility to infections; Deafness-lymphedema-leukemia syndrome. Last evaluated: 2023-06-03. Review status: criteria provided, single submitter. Criteria: Invitae Variant Classification Sherloc (09022015). Collection method: clinical testing. Allele origin: germline.
Comment: This variant is not present in population databases (gnomAD no frequency). This sequence change replaces asparagine, which is neutral and polar, with lysine, which is basic and polar, at codon 371 of the GATA2 protein (p.Asn371Lys). For these reasons, this variant has been classified as Pathogenic. Advanced modeling of protein sequence and biophysical properties (such as structural, functional, and spatial information, amino acid conservation, physicochemical variation, residue mobility, and thermodynamic stability) performed at Invitae indicates that this missense variant is expected to disrupt GATA2 protein function. ClinVar contains an entry for this variant (Variation ID: 216931). This missense change has been observed in individual(s) with GATA2-related conditions and/or myelodysplastic syndrome (PMID: 21670465, 24077845, 26702063; Invitae).

Molecular Pathology Research Laboratory, SA Pathology
Classification: Pathogenic for GATA2 deficiency with susceptibility to MDS/AML; Deafness-lymphedema-leukemia syndrome. Last evaluated: 2021-07-06. Review status: criteria provided, single submitter. Criteria: ACMG Guidelines, 2015. Collection method: curation. Allele origin: unknown. Inheritance: Autosomal dominant inheritance. Affected: yes. Observed: 4 variant alleles. Clinical features observed: MA, Lymphedema, Immunodeficiency.
Comment: PS1, PS4, PM1, PM2, PP3

UCLA Clinical Genomics Center, UCLA
Classification: Likely pathogenic for Lymphedema, primary, with myelodysplasia; Dendritic cell, monocyte, B lymphocyte, and natural killer lymphocyte deficiency. Last evaluated: 2013-07-16. Review status: criteria provided, single submitter. Criteria: Lee et al. (JAMA. 2014). Collection method: clinical testing. Allele origin: unknown. Inheritance: Autosomal dominant inheritance. Affected: yes. Study: CES.

Literature cited by the submitters: PubMed 21670465 (cited by Labcorp Genetics (formerly Invitae), Labcorp); PubMed 24077845 (cited by Labcorp Genetics (formerly Invitae), Labcorp); PubMed 26702063 (cited by Labcorp Genetics (formerly Invitae), Labcorp and Molecular Pathology Research Laboratory, SA Pathology); PubMed 25326637 (cited by Molecular Pathology Research Laboratory, SA Pathology); PubMed 32088370 (cited by Molecular Pathology Research Laboratory, SA Pathology).